The following is an entry in ClinVar:

NM_020338.4(ZMIZ1):c.2214G>A (p.Val738=)

Gene: ZMIZ1 (zinc finger MIZ-type containing 1; plus strand). Cytogenetic location: 10q22.3.
Variant type: single nucleotide variant.
Coding change: c.2214G>A on transcript NM_020338.4 (MANE Select); coding-DNA position 2214, G replaced by A.
Protein change: p.Val738=; no amino-acid change (valine 738 retained).
Molecular consequence: synonymous variant.
Genome position (GRCh38, 1-based): chr10:79,304,103, G>A. VCF-style: chr10-79304103-G-A. GRCh37 (hg19) VCF-style: chr10-81063860-G-A.
Identifiers: ClinVar variation 2633503 (VCV002633503.1), dbSNP rs1457206359, ClinGen allele CA470394923.

ClinVar aggregate classification (germline): Uncertain significance (1 of 4 stars; one submission).

Conditions:
ZMIZ1-related disorder. Also called: ZMIZ1-related condition.

Allele frequency attached by ClinVar (database versions not stated): gnomAD 0.00001; gnomAD exomes 0.00001; TOPMed 0.00001.
gnomAD v4.1: 10 of 1,614,118 alleles (0.00062%); highest among the groups gnomAD compares: Non-Finnish European, 0.00085%; no homozygotes.

Submission:

PreventionGenetics, part of Exact Sciences
Classification: Uncertain significance for ZMIZ1-related condition. Last evaluated: 2023-04-20. Review status: criteria provided, single submitter. Criteria: ACMG Guidelines, 2015. Collection method: clinical testing. Allele origin: germline.
Comment: The ZMIZ1 c.2214G>A variant is not predicted to result in an amino acid change (p.=). This variant is predicted to increase the strength of a potential cryptic splice donor site based on available splicing prediction programs (Alamut Visual Plus v1.6.1), however such programs are imperfect and not equivalent to functional evidence. To our knowledge, this variant has not been reported in the literature or in a large population database, indicating this variant is rare. At this time, the clinical significance of this variant is uncertain due to the absence of conclusive functional and genetic evidence.